The following is an entry in ClinVar:

NM_030662.4(MAP2K2):c.528+20A>G

Gene: MAP2K2 (mitogen-activated protein kinase kinase 2; minus strand). Cytogenetic location: 19p13.3.
Variant type: single nucleotide variant.
Coding change: c.528+20A>G on transcript NM_030662.4 (MANE Select); 20 bases into the intron after coding-DNA position 528, A replaced by G.
Molecular consequence: intron variant.
Genome position (GRCh38, 1-based): chr19:4,102,356, T>C on the plus strand (A>G on the coding strand, the complement: MAP2K2 is on the minus strand). VCF-style: chr19-4102356-T-C. GRCh37 (hg19) VCF-style: chr19-4102354-T-C.
Identifiers: ClinVar variation 40804 (VCV000040804.14), dbSNP rs73918030, ClinGen allele CA9090939.

ClinVar aggregate classification (germline): Benign/Likely benign. Review status: criteria provided, multiple submitters, no conflicts (2 of 4 stars). 6 submissions from 6 submitters: Benign (5); Likely benign (1). Last evaluated 2026-02-04.

Conditions:
RASopathy. Also called: rasopathies; Noonan spectrum disorder. Identifiers: Orphanet 536391, MedGen C5555857, MONDO:0021060.

Allele frequency attached by ClinVar (database versions not stated): ExAC 0.02416; gnomAD 0.03923 and 0.04206; ESP Exome Variant Server 0.04158; TOPMed 0.04390; 1000 Genomes Project 0.04573; 1000 Genomes Project 30x 0.04981; gnomAD exomes 0.00949.
gnomAD v4.1: 11,602 of 1,578,872 alleles (0.73%); highest among the groups gnomAD compares: African/African-American, 13%; 736 homozygotes.

Submissions (6):

Labcorp Genetics (formerly Invitae), Labcorp
Classification: Benign for RASopathy. Last evaluated: 2026-02-04. Review status: criteria provided, single submitter. Criteria: Invitae Variant Classification Sherloc (09022015). Collection method: clinical testing. Allele origin: germline.

Blueprint Genetics
Classification: Likely benign. Last evaluated: 2024-11-25. Review status: criteria provided, single submitter. Criteria: ACMG Guidelines, 2015. Collection method: clinical testing. Allele origin: germline.

Women's Health and Genetics/Laboratory Corporation of America, LabCorp
Classification: Benign. Last evaluated: 2019-10-08. Review status: criteria provided, single submitter. Criteria: LabCorp Variant Classification Summary - May 2015. Collection method: clinical testing. Allele origin: germline.
Comment: Variant summary: MAP2K2 c.528+20A>G alters a non-conserved nucleotide located close to a canonical splice site and therefore could affect mRNA splicing, leading to a significantly altered protein sequence. 5/5 computational tools predict no significant impact on normal splicing. However, these predictions have yet to be confirmed by functional studies. The variant allele was found at a frequency of 0.0095 in 202448 control chromosomes, predominantly at a frequency of 0.14 within the African or African-American subpopulation in the gnomAD database, including 113 homozygotes. The observed variant frequency within African or African-American control individuals in the gnomAD database is approximately 56000-fold of the estimated maximal expected allele frequency for a pathogenic variant in MAP2K2 causing Noonan Syndrome and Related Conditions phenotype (2.5e-06), strongly suggesting that the variant is a benign polymorphism found primarily in populations of African or African-American origin. To our knowledge, no occurrence of c.528+20A>G in individuals affected with Noonan Syndrome and Related Conditions and no experimental evidence demonstrating its impact on protein function have been reported. A ClinVar submitter (evaluation submitted in 2016) cites the variant as benign. Based on the evidence outlined above, the variant was classified as benign.

GeneDx
Classification: Benign. Last evaluated: 2015-03-03. Review status: criteria provided, single submitter. Criteria: GeneDx Variant Classification Process June 2021. Collection method: clinical testing. Allele origin: germline. Affected: yes.

Breakthrough Genomics
Classification: Benign. Review status: criteria provided, single submitter. Criteria: ACMG Guidelines, 2015. Collection method: not provided. Allele origin: germline. Inheritance: Autosomal dominant inheritance. Affected: yes.

PreventionGenetics, part of Exact Sciences
Classification: Benign. Review status: criteria provided, single submitter. Criteria: ACMG Guidelines, 2015. Collection method: clinical testing. Allele origin: germline.